The following is an entry in ClinVar:

NM_001080416.4(MYBL1):c.590G>A (p.Gly197Glu)

Gene: MYBL1 (MYB proto-oncogene like 1; minus strand). Cytogenetic location: 8q13.1.
Variant type: single nucleotide variant.
Coding change: c.590G>A on transcript NM_001080416.4 (MANE Select); coding-DNA position 590, G replaced by A.
Protein change: p.Gly197Glu; replaces glycine 197 with glutamic acid.
Molecular consequence: missense variant.
Genome position (GRCh38, 1-based): chr8:66,595,680, C>T on the plus strand (G>A on the coding strand, the complement: MYBL1 is on the minus strand). VCF-style: chr8-66595680-C-T. GRCh37 (hg19) VCF-style: chr8-67507915-C-T.
Other names: c.590G>A, p.Gly197Glu (NM_001144755.3, NM_001294282.2); short protein forms G197E.
Identifiers: ClinVar variation 2658633 (VCV002658633.24), dbSNP rs201510981, ClinGen allele CA4767612.

ClinVar aggregate classification (germline): Likely benign (1 of 4 stars; one submission).

Allele frequency attached by ClinVar (database versions not stated): 1000 Genomes Project 0.00020; 1000 Genomes Project 30x 0.00094; ESP Exome Variant Server 0.00354; ExAC 0.00524.
gnomAD v4.1: 4,809 of 1,583,904 alleles (0.3%); highest among the groups gnomAD compares: Non-Finnish European, 0.38%; 13 homozygotes.

Submission:

CeGaT Center for Human Genetics Tuebingen
Classification: Likely benign. Last evaluated: 2023-01-01. Review status: criteria provided, single submitter. Criteria: CeGaT Center For Human Genetics Tuebingen Variant Classification Criteria Version 2. Collection method: clinical testing. Allele origin: germline. Affected: yes. Observed: 2 variant alleles.
Comment: MYBL1: BS2